The following is an entry in ClinVar:

ClinVar aggregate classification (germline): Uncertain significance. Review status: criteria provided, multiple submitters, no conflicts (2 of 4 stars). 2 submissions from 2 submitters: Uncertain significance (2). Last evaluated 2023-12-21.

Conditions:
Inborn genetic diseases. Identifiers: MedGen C0950123, MeSH D030342.

Allele frequency attached by ClinVar (database versions not stated): gnomAD exomes below 0.00001; TOPMed 0.00001.
gnomAD v4.1: 1 of 1,612,390 alleles (0.000062%); highest among the groups gnomAD compares: Admixed American, 0.0017%; no homozygotes.

Submissions (2):

Ambry Genetics
Classification: Uncertain significance for Inborn genetic diseases. Last evaluated: 2023-12-21. Review status: criteria provided, single submitter. Criteria: Ambry Variant Classification Scheme 2023. Collection method: clinical testing. Allele origin: germline.

GeneDx
Classification: Uncertain significance. Last evaluated: 2022-09-14. Review status: criteria provided, single submitter. Criteria: GeneDx Variant Classification Process June 2021. Collection method: clinical testing. Allele origin: germline. Affected: yes.
Comment: Not observed at significant frequency in large population cohorts (gnomAD); In silico analysis supports that this missense variant has a deleterious effect on protein structure/function; Has not been previously published as pathogenic or benign to our knowledge

NM_006922.4(SCN3A):c.2368A>T (p.Ser790Cys)

Gene: SCN3A (sodium voltage-gated channel alpha subunit 3; minus strand). Cytogenetic location: 2q24.3.
Variant type: single nucleotide variant.
Coding change: c.2368A>T on transcript NM_006922.4 (MANE Select); coding-DNA position 2368, A replaced by T.
Protein change: p.Ser790Cys; replaces serine 790 with cysteine.
Molecular consequence: missense variant.
Genome position (GRCh38, 1-based): chr2:165,137,902, T>A on the plus strand (A>T on the coding strand, the complement: SCN3A is on the minus strand). VCF-style: chr2-165137902-T-A. GRCh37 (hg19) VCF-style: chr2-165994412-T-A.
Other names: c.2221A>T, p.Ser741Cys (NM_001081676.2, NM_001081677.2); short protein forms S741C, S790C.
Identifiers: ClinVar variation 1706428 (VCV001706428.3), dbSNP rs1325714009, ClinGen allele CA349044985.